The following is an entry in ClinVar:

NM_001378454.1(ALMS1):c.5387C>T (p.Thr1796Ile)

Gene: ALMS1 (ALMS1 centrosome and basal body associated protein; plus strand). Cytogenetic location: 2p13.1.
Variant type: single nucleotide variant.
Coding change: c.5387C>T on transcript NM_001378454.1 (MANE Select); coding-DNA position 5387, C replaced by T.
Protein change: p.Thr1796Ile; replaces threonine 1796 with isoleucine.
Molecular consequence: missense variant.
Genome position (GRCh38, 1-based): chr2:73,451,914, C>T. VCF-style: chr2-73451914-C-T. GRCh37 (hg19) VCF-style: chr2-73679041-C-T.
Other names: c.5390C>T, p.Thr1797Ile (NM_015120.4); short protein forms T1796I, T1797I.
Identifiers: ClinVar variation 1747228 (VCV001747228.2), dbSNP rs2466104895, ClinGen allele CA347281924.
Genomic context (GRCh38, chr2:73,451,914, plus strand): 5'-GTCATCTAACTGAAGAGGCTCTGAAAGTTTCAAATGTTCCTGGACCAGCTGACCAGAAGA[C>T]TGGGGTATCAACAGTAACCTCTACTTCCTACTCACACAGAGAGAAGCCCATTGTTTCCTA-3'
Protein context (NP_001365383.1, residues 1786-1806): SNVPGPADQK[Thr1796Ile]GVSTVTSTSY

ClinVar aggregate classification (germline): Uncertain significance (1 of 4 stars; one submission).

Conditions:
Cardiovascular phenotype. Identifiers: MedGen CN230736.

Submission:

Ambry Genetics
Classification: Uncertain significance for Cardiovascular phenotype. Last evaluated: 2021-10-05. Review status: criteria provided, single submitter. Criteria: Ambry Variant Classification Scheme 2023. Collection method: clinical testing. Allele origin: germline.
Comment: The p.T1797I variant (also known as c.5390C>T), located in coding exon 8 of the ALMS1 gene, results from a C to T substitution at nucleotide position 5390. The threonine at codon 1797 is replaced by isoleucine, an amino acid with similar properties. This amino acid position is poorly conserved in available vertebrate species. In addition, this alteration is predicted to be tolerated by in silico analysis. Since supporting evidence is limited at this time, the clinical significance of this alteration remains unclear.